The following is an entry in ClinVar:

ClinVar aggregate classification (germline): Uncertain significance (1 of 4 stars; one submission).

Submission:

Dasa
Classification: Uncertain significance. Last evaluated: 2026-07-14. Review status: criteria provided, single submitter. Criteria: DASA Assertion Criteria. Collection method: clinical testing. Allele origin: germline.
Comment: NM_002691.4(POLD1):c.841G>T (p.Ala281Ser) is a missense variant that results in the substitution of alanine with serine. This variant is rare in population databases. Computational prediction algorithms are consistent with a benign effect. The currently available literature and clinical evidence are not sufficient to establish a definitive association between this variant and the reported condition. Therefore, this variant is classified as a variant of uncertain significance.

NM_002691.4(POLD1):c.841G>T (p.Ala281Ser)

Gene: POLD1 (DNA polymerase delta 1, catalytic subunit; plus strand). Cytogenetic location: 19q13.33.
Variant type: single nucleotide variant.
Coding change: c.841G>T on transcript NM_002691.4 (MANE Select); coding-DNA position 841, G replaced by T.
Protein change: p.Ala281Ser; replaces alanine 281 with serine.
Molecular consequence: missense variant. On other transcripts: non-coding transcript variant (1).
Genome position (GRCh38, 1-based): chr19:50,402,612, G>T. VCF-style: chr19-50402612-G-T. GRCh37 (hg19) VCF-style: chr19-50905869-G-T.
Other names: c.841G>T, p.Ala281Ser (NM_001256849.1, NM_001308632.1, NM_001438210.1 and 3 more transcripts); short protein forms A281S.
Identifiers: ClinVar variation 5020194 (VCV005020194.1).